The following is an entry in ClinVar:

NM_004565.3(PEX14):c.884C>A (p.Pro295His)

Gene: PEX14 (peroxisomal biogenesis factor 14; plus strand). Cytogenetic location: 1p36.22.
Variant type: single nucleotide variant.
Coding change: c.884C>A on transcript NM_004565.3 (MANE Select); coding-DNA position 884, C replaced by A.
Protein change: p.Pro295His; replaces proline 295 with histidine.
Molecular consequence: missense variant.
Genome position (GRCh38, 1-based): chr1:10,629,737, C>A. VCF-style: chr1-10629737-C-A. GRCh37 (hg19) VCF-style: chr1-10689794-C-A.
Other names: c.884C>A (NM_004565.2); short protein forms P295H.
Identifiers: ClinVar variation 1348763 (VCV001348763.5), dbSNP rs545357144, ClinGen allele CA583988.
Genomic context (GRCh38, chr1:10,629,737, plus strand): 5'-CGCCTGGGAAGGAGGGCCACAGCCCCGAGGGCTCCACGGTCACCTACCACTTGCTGGGCC[C>A]CCAGGAGGAAGGCGAGGGGGTGGTGGACGTCAAGGGCCAGGTGCGGATGGAGGTGCAAGG-3'
Protein context (NP_004556.1, residues 285-305): GSTVTYHLLG[Pro295His]QEEGEGVVDV

ClinVar aggregate classification (germline): Uncertain significance. Review status: criteria provided, multiple submitters, no conflicts (2 of 4 stars). 2 submissions from 2 submitters: Uncertain significance (2). Last evaluated 2023-12-30.

Conditions:
Peroxisome biogenesis disorder, complementation group K (CGK). Identifiers: MedGen C1866257, MONDO:0800365.

Allele frequency attached by ClinVar (database versions not stated): gnomAD exomes 0.00001; ExAC 0.00003; gnomAD 0.00008 and 0.00009; TOPMed 0.00008; 1000 Genomes Project 30x 0.00016; 1000 Genomes Project 0.00020.
gnomAD v4.1: 23 of 1,597,230 alleles (0.0014%); highest among the groups gnomAD compares: African/African-American, 0.025%; no homozygotes.

Submissions (2):

Labcorp Genetics (formerly Invitae), Labcorp
Classification: Uncertain significance for Peroxisome biogenesis disorder, complementation group K. Last evaluated: 2023-12-30. Review status: criteria provided, single submitter. Criteria: Invitae Variant Classification Sherloc (09022015). Collection method: clinical testing. Allele origin: germline.
Comment: This sequence change replaces proline, which is neutral and non-polar, with histidine, which is basic and polar, at codon 295 of the PEX14 protein (p.Pro295His). This variant is present in population databases (rs545357144, gnomAD 0.03%). This variant has not been reported in the literature in individuals affected with PEX14-related conditions. ClinVar contains an entry for this variant (Variation ID: 1348763). Advanced modeling of protein sequence and biophysical properties (such as structural, functional, and spatial information, amino acid conservation, physicochemical variation, residue mobility, and thermodynamic stability) performed at Invitae indicates that this missense variant is not expected to disrupt PEX14 protein function with a negative predictive value of 80%. In summary, the available evidence is currently insufficient to determine the role of this variant in disease. Therefore, it has been classified as a Variant of Uncertain Significance.

GeneDx
Classification: Uncertain significance. Last evaluated: 2023-06-15. Review status: criteria provided, single submitter. Criteria: GeneDx Variant Classification Process June 2021. Collection method: clinical testing. Allele origin: germline. Affected: yes.
Comment: In silico analysis supports that this missense variant does not alter protein structure/function; Has not been previously published as pathogenic or benign to our knowledge